The following is an entry in ClinVar:

NM_024592.5(SRD5A3):c.*968C>T

Genes: SRD5A3 (steroid 5 alpha-reductase 3; plus strand), SRD5A3-AS1 (SRD5A3 antisense RNA 1; minus strand). Cytogenetic location: 4q12.
Variant type: single nucleotide variant.
Coding change: c.*968C>T on transcript NM_024592.5 (MANE Select); 968 bases downstream of the stop codon, C replaced by T.
Molecular consequence: 3 prime UTR variant.
Genome position (GRCh38, 1-based): chr4:55,371,059, C>T. VCF-style: chr4-55371059-C-T. GRCh37 (hg19) VCF-style: chr4-56237226-C-T.
Identifiers: ClinVar variation 902500 (VCV000902500.4), dbSNP rs78470512, ClinGen allele CA97481866.
Genomic context (GRCh38, chr4:55,371,059, plus strand): 5'-TCAATATCCATTTCCATTCATCTCCCCCTCAAATCATAGCCTAACAGAACACTTTGAAAG[C>T]TCTTTTATTTAATATTTTTTTACATCCTTTGAAGGGAGTGCTTCAAAAATGAAAGCATCA-3'

ClinVar aggregate classification (germline): Benign (1 of 4 stars; one submission).

Conditions:
SRD5A3-congenital disorder of glycosylation. Also called: COLOBOMA, OCULAR, WITH ICHTHYOSIS, BRAIN MALFORMATIONS, AND ENDOCRINE ABNORMALITIES; CDG Iq; Ocular colobomas, ichthyosis, brain malformations and endocrine abnormalities; Congenital disorder of glycosylation type 1Q; SRD5A3-CDG. Identifiers: Orphanet 324737, MedGen C4317224, MONDO:0012885, OMIM 612379.

Allele frequency attached by ClinVar (database versions not stated): 1000 Genomes Project 0.03335; 1000 Genomes Project 30x 0.03357; TOPMed 0.03563.

Submission:

Illumina Laboratory Services, Illumina
Classification: Benign for SRD5A3-congenital disorder of glycosylation. Last evaluated: 2018-01-13. Review status: criteria provided, single submitter. Criteria: ICSL Variant Classification Criteria 13 December 2019. Collection method: clinical testing. Allele origin: germline.
Comment: This variant was observed in the ICSL laboratory as part of a predisposition screen in an ostensibly healthy population. It had not been previously curated by ICSL or reported in the Human Gene Mutation Database (HGMD: prior to June 1st, 2018), and was therefore a candidate for classification through an automated scoring system. Utilizing variant allele frequency, disease prevalence and penetrance estimates, and inheritance mode, an automated score was calculated to assess if this variant is too frequent to cause the disease. Based on the score and internal cut-off values, a variant classified as benign is not then subjected to further curation. The score for this variant resulted in a classification of benign for this disease.